The following is an entry in ClinVar:

NC_000014.9:g.22774114_22774118del

Gene: SLC7A7 (solute carrier family 7 member 7; minus strand). Cytogenetic location: 14q11.2.
Variant type: Deletion.
Genome position: GRCh38 VCF-style: chr14-22774110-CGCTGA-C. GRCh37 (hg19) VCF-style: chr14-23243319-CGCTGA-C.
Identifiers: ClinVar variation 1071672 (VCV001071672.7), dbSNP rs2139383657, ClinGen allele CA2499222561.

ClinVar aggregate classification (germline): Pathogenic (1 of 4 stars; one submission).

Conditions:
Lysinuric protein intolerance (LPI). Identifiers: Orphanet 470, MedGen C0268647, MONDO:0009109, OMIM 222700.

Submission:

Labcorp Genetics (formerly Invitae), Labcorp
Classification: Pathogenic for Lysinuric protein intolerance. Last evaluated: 2022-10-03. Review status: criteria provided, single submitter. Criteria: Invitae Variant Classification Sherloc (09022015). Collection method: clinical testing. Allele origin: germline.
Comment: For these reasons, this variant has been classified as Pathogenic. Algorithms developed to predict the effect of sequence changes on RNA splicing suggest that this variant may disrupt the consensus splice site. ClinVar contains an entry for this variant (Variation ID: 1071672). This variant has not been reported in the literature in individuals affected with SLC7A7-related conditions. This variant is not present in population databases (gnomAD no frequency). This sequence change creates a premature translational stop signal (p.Leu416Argfs*22) in the SLC7A7 gene. It is expected to result in an absent or disrupted protein product. Loss-of-function variants in SLC7A7 are known to be pathogenic (PMID: 10631139, 17764084).

Literature cited by the submitters: PubMed 10631139; PubMed 17764084.